The following is an entry in ClinVar:

ClinVar aggregate classification (germline): Pathogenic (1 of 4 stars; one submission).

Submission:

GeneDx
Classification: Pathogenic. Last evaluated: 2018-06-27. Review status: criteria provided, single submitter. Criteria: GeneDx Variant Classification (06012015). Collection method: clinical testing. Allele origin: germline. Affected: yes.
Comment: The K2120X variant in the VPS13A gene has not been reported previously as a pathogenic variant nor as a benign variant, to our knowledge. This variant is predicted to cause loss of normal protein function either through protein truncation or nonsense-mediated mRNA decay. The K2120X variant is not observed in large population cohorts (Lek et al., 2016). We interpret K2120X as a pathogenic variant.

NM_033305.3(VPS13A):c.6358A>T (p.Lys2120Ter)

Gene: VPS13A (vacuolar protein sorting 13 homolog A; plus strand). Cytogenetic location: 9q21.2.
Variant type: single nucleotide variant.
Coding change: c.6358A>T on transcript NM_033305.3 (MANE Select); coding-DNA position 6358, A replaced by T.
Protein change: p.Lys2120Ter; replaces lysine 2120 with a stop codon.
Molecular consequence: nonsense.
Genome position (GRCh38, 1-based): chr9:77,337,517, A>T. VCF-style: chr9-77337517-A-T. GRCh37 (hg19) VCF-style: chr9-79952433-A-T.
Other names: c.6241A>T, p.Lys2081Ter (NM_001018037.2); c.6358A>T, p.Lys2120Ter (NM_001018038.3, NM_015186.4); short protein forms K2120*, K2081*.
Identifiers: ClinVar variation 620232 (VCV000620232.1), dbSNP rs1409849850, ClinGen allele CA373848969.